The following is an entry in ClinVar:

NM_000455.5(STK11):c.46G>T (p.Glu16Ter)

Gene: STK11 (serine/threonine kinase 11; plus strand). Cytogenetic location: 19p13.3.
Variant type: single nucleotide variant.
Coding change: c.46G>T on transcript NM_000455.5 (MANE Select); coding-DNA position 46, G replaced by T.
Protein change: p.Glu16Ter; replaces glutamic acid 16 with a stop codon.
Molecular consequence: nonsense. On other transcripts: non-coding transcript variant (1).
Genome position (GRCh38, 1-based): chr19:1,206,959, G>T. VCF-style: chr19-1206959-G-T. GRCh37 (hg19) VCF-style: chr19-1206958-G-T.
Other names: c.46G>T, p.Glu16Ter (NM_001407255.1); short protein forms E16*.
Identifiers: ClinVar variation 4551331 (VCV004551331.1).

ClinVar aggregate classification (germline): Uncertain significance (1 of 4 stars; one submission).

Conditions:
Hereditary cancer-predisposing syndrome. Also called: Tumor predisposition; Hereditary Cancer Syndrome; Hereditary neoplastic syndrome; Neoplastic Syndromes, Hereditary. Identifiers: Orphanet 140162, MedGen C0027672, MeSH D009386, MONDO:0015356.

Submission:

Ambry Genetics
Classification: Uncertain significance for Hereditary cancer-predisposing syndrome. Last evaluated: 2025-10-29. Review status: criteria provided, single submitter. Criteria: Ambry Variant Classification Scheme 2023. Collection method: clinical testing. Allele origin: germline.
Comment: The p.E16* variant (also known as c.46G>T), located in coding exon 1 of the STK11 gene, results from a G to T substitution at nucleotide position 46. This changes the amino acid from a glutamic acid to a stop codon within coding exon 1. The predicted stop codon occurs in the 5&rsquo; end of thegene. Premature termination codons in the 5&rsquo; end of a gene have been reported to escape nonsense-mediated mRNAdecay and/or lead to re-initiation (Rivas et al. Science. 2015 May 8;348(6235):666-9; Lindeboom et al. Nat Genet. 2016 Oct;48(10):1112-8; Rhee et al. Sci Rep. 2017 May 10;7(1):1653). The exact functional effect of this alteration is unknown. Since supporting evidence is limited at this time, the clinical significance of this alteration remains unclear.